The following is an entry in ClinVar:

NM_018006.5(TRMU):c.695del (p.Phe232fs)

Gene: TRMU (tRNA mitochondrial 2-thiouridylase; plus strand). Cytogenetic location: 22q13.31.
Variant type: Deletion.
Coding change: c.695del on transcript NM_018006.5 (MANE Select); coding-DNA position 695, one base deleted (T; older notation c.695delT).
Protein change: p.Phe232fs; shifts the reading frame from phenylalanine 232.
Molecular consequence: frameshift variant. On other transcripts: non-coding transcript variant (2).
Genome position (GRCh38, 1-based): chr22:46,352,164, T deleted; the last of 3 consecutive T bases (chr22:46,352,162-46,352,164); deleting any one gives the same sequence. VCF-style (leftmost placement, unchanged base first): chr22-46352161-AT-A. GRCh37 (hg19) VCF-style: chr22-46748058-AT-A.
Other names: c.*139delT (NM_001008568.2); c.*233delT (NM_001008570.2); c.353del, p.Phe118fs (NM_001282782.2); c.275del, p.Phe92fs (NM_001282783.2, NM_001282784.2); c.695del, p.Phe232fs (NM_001282785.2); short protein forms F92fs, F118fs, F232fs.
Identifiers: ClinVar variation 2826057 (VCV002826057.3), dbSNP rs2518190941, ClinGen allele CA2739265698.

ClinVar aggregate classification (germline): Pathogenic (1 of 4 stars; one submission).

Submission:

Labcorp Genetics (formerly Invitae), Labcorp
Classification: Pathogenic. Last evaluated: 2023-01-03. Review status: criteria provided, single submitter. Criteria: Invitae Variant Classification Sherloc (09022015). Collection method: clinical testing. Allele origin: germline.
Comment: For these reasons, this variant has been classified as Pathogenic. This variant has not been reported in the literature in individuals affected with TRMU-related conditions. This variant is not present in population databases (gnomAD no frequency). This sequence change creates a premature translational stop signal (p.Phe232Serfs*16) in the TRMU gene. It is expected to result in an absent or disrupted protein product. Loss-of-function variants in TRMU are known to be pathogenic (PMID: 19732863, 23625533).

Literature cited by the submitters: PubMed 19732863; PubMed 23625533.